The following is an entry in ClinVar:

ClinVar aggregate classification (germline): Conflicting classifications of pathogenicity. Review status: criteria provided, conflicting classifications (1 of 4 stars). 2 submissions from 2 submitters: Uncertain significance (1); Likely benign (1). Last evaluated 2023-05-01.

Conditions:
Hypercholesterolemia, autosomal dominant, 3 (FHCL3). Also called: Familial Hypercholesterolemia, Autosomal Dominant, 3; PCSK9-Related Familial Hypercholesterolemia, Autosomal Dominant; Familial hypercholesterolemia 3. Identifiers: MedGen C1863551, MONDO:0011369, OMIM 603776.

Allele frequency attached by ClinVar (database versions not stated): gnomAD exomes below 0.00001.
gnomAD v4.1: 4 of 1,574,344 alleles (0.00025%); highest among the groups gnomAD compares: African/African-American, 0.0013%; no homozygotes.

Submissions (2):

CeGaT Center for Human Genetics Tuebingen
Classification: Likely benign. Last evaluated: 2023-05-01. Review status: criteria provided, single submitter. Criteria: CeGaT Center For Human Genetics Tuebingen Variant Classification Criteria Version 2. Collection method: clinical testing. Allele origin: germline. Affected: yes. Observed: 1 variant allele.
Comment: PCSK9: BP4, BP7

All of Us Research Program, National Institutes of Health
Classification: Uncertain significance for Hypercholesterolemia, autosomal dominant, 3. Last evaluated: 2023-02-24. Review status: criteria provided, single submitter. Criteria: ACMG Guidelines, 2015. Collection method: clinical testing. Allele origin: germline. Inheritance: Autosomal dominant inheritance. Observed: 1 variant allele, 1 heterozygote.
Comment: This variant is located in the PCSK9 protein. To our knowledge, functional studies have not been reported for this variant. This variant has not been reported in individuals affected with PCSK9-related disorders in the literature. This variant has not been identified in the general population by the Genome Aggregation Database (gnomAD). The available evidence is insufficient to determine the role of this variant in disease conclusively. Therefore, this variant is classified as a Variant of Uncertain Significance.

This study involves interpretation of variants in research participants for the purpose of population health screening. Participant phenotype was not available at the time of variant classification. Additional details can be found in publication PMID: 35346344, PMCID: PMC8962531

NM_174936.4(PCSK9):c.108C>T (p.Gly36=)

Gene: PCSK9 (proprotein convertase subtilisin/kexin type 9; plus strand). Cytogenetic location: 1p32.3.
Variant type: single nucleotide variant.
Coding change: c.108C>T on transcript NM_174936.4 (MANE Select); coding-DNA position 108, C replaced by T.
Protein change: p.Gly36=; no amino-acid change (glycine 36 retained).
Molecular consequence: synonymous variant. On other transcripts: 5 prime UTR variant (1), non-coding transcript variant (8).
Genome position (GRCh38, 1-based): chr1:55,039,945, C>T. VCF-style: chr1-55039945-C-T. GRCh37 (hg19) VCF-style: chr1-55505618-C-T.
Other names: c.108C>T, p.Gly36= (NM_001407240.1, NM_001407241.1, NM_001407242.1 and 4 more transcripts); c.-627C>T (NM_001407246.1).
Identifiers: ClinVar variation 2570727 (VCV002570727.28), dbSNP rs1482718750, ClinGen allele CA417957356.
Genomic context (GRCh38, chr1:55,039,945, plus strand): 5'-GCTGCTGCTGCTGCTGCTCCTGGGTCCCGCGGGCGCCCGTGCGCAGGAGGACGAGGACGG[C>T]GACTACGAGGAGCTGGTGCTAGCCTTGCGTTCCGAGGAGGACGGCCTGGCCGAAGCACCC-3'
Protein context (NP_777596.2, residues 26-46): AGARAQEDED[Gly36=]DYEELVLALR